The following is an entry in ClinVar:

NM_000093.5(COL5A1):c.2983C>A (p.Pro995Thr)

Gene: COL5A1 (collagen type V alpha 1 chain; plus strand). Cytogenetic location: 9q34.3.
Variant type: single nucleotide variant.
Coding change: c.2983C>A on transcript NM_000093.5 (MANE Select); coding-DNA position 2983, C replaced by A.
Protein change: p.Pro995Thr; replaces proline 995 with threonine.
Molecular consequence: missense variant.
Genome position (GRCh38, 1-based): chr9:134,801,984, C>A. VCF-style: chr9-134801984-C-A. GRCh37 (hg19) VCF-style: chr9-137693830-C-A.
Other names: p.Pro995Thr; c.2983C>A, p.Pro995Thr (NM_001278074.1); short protein forms P995T.
Identifiers: ClinVar variation 424292 (VCV000424292.26), dbSNP rs187022757, ClinGen allele CA5319705.
Genomic context (GRCh38, chr9:134,801,984, plus strand): 5'-ACCGTCAGTGCAGTGACTCTCTCTTCACAGGGTTTCCAAGGCAAGACCGGCCCTCCAGGC[C>A]CCCCCGGCGTGGTCGGCCCTCAGGTAAGCTCCAGCCTTCCCAGATTCCATGGGTCACTCG-3'
Protein context (NP_000084.3, residues 985-1005): GFQGKTGPPG[Pro995Thr]PGVVGPQGPT

ClinVar aggregate classification (germline): Conflicting classifications of pathogenicity. Review status: criteria provided, conflicting classifications (1 of 4 stars). 7 submissions from 7 submitters: Uncertain significance (4); Benign (1); Likely benign (2). Last evaluated 2026-01-30.

Conditions:
Familial thoracic aortic aneurysm and aortic dissection (TAAD). Also called: Thoracic aortic aneurysms and dissections. Identifiers: Orphanet 91387, MedGen C4707243, MONDO:0019625.
Ehlers-Danlos syndrome, classic type, 1 (EDSCL1). Also called: Ehlers-Danlos syndrome, type 1; EHLERS-DANLOS SYNDROME, GRAVIS TYPE; EHLERS-DANLOS SYNDROME, SEVERE CLASSIC TYPE; EDS I; Ehlers-Danlos Syndrome, Classic Type, COL5A1-Related. Identifiers: MedGen C0268335, MONDO:0019567, OMIM 130000.

Allele frequency attached by ClinVar (database versions not stated): gnomAD 0.00006; 1000 Genomes Project 30x 0.00031.
gnomAD v4.1: 116 of 1,613,422 alleles (0.0072%); highest among the groups gnomAD compares: Admixed American, 0.0083%; no homozygotes.

Submissions (7):

GeneDx
Classification: Uncertain significance. Last evaluated: 2026-01-30. Review status: criteria provided, single submitter. Criteria: GeneDx Variant Classification Process June 2021. Collection method: clinical testing. Allele origin: germline. Affected: yes.
Comment: Has not been previously published as pathogenic or benign to our knowledge; In silico analysis supports that this missense variant has a deleterious effect on protein structure/function; Occurs in the triple helical domain at the X position in the canonical Gly-X-Y repeat; although this variant may have an effect on normal protein folding and function, missense substitution at the X position is not a common mechanism of disease (PMID: 22696272; HGMD); This variant is associated with the following publications: (PMID: 22696272)

Labcorp Genetics (formerly Invitae), Labcorp
Classification: Benign for Ehlers-Danlos syndrome, classic type, 1. Last evaluated: 2026-01-23. Review status: criteria provided, single submitter. Criteria: Invitae Variant Classification Sherloc (09022015). Collection method: clinical testing. Allele origin: germline.

ARUP Laboratories, Molecular Genetics and Genomics, ARUP Laboratories
Classification: Uncertain significance. Last evaluated: 2025-04-17. Review status: criteria provided, single submitter. Criteria: ARUP Molecular Germline Variant Investigation Process 2024. Collection method: clinical testing. Allele origin: germline.
Comment: The COL5A1 c.2983C>A; p.Pro995Thr variant (rs187022757), to our knowledge, is not reported in the medical literature but is reported in ClinVar (Variation ID: 424292). This variant is found in the non-Finnish European population with an allele frequency of 0.016% (20/128,682 alleles) in the Genome Aggregation Database (v2.1.1). Computational analyses are uncertain whether this variant is neutral or deleterious (REVEL: 0.338). Due to limited information, the clinical significance of this variant is uncertain at this time.

Blueprint Genetics
Classification: Likely benign. Last evaluated: 2024-09-17. Review status: criteria provided, single submitter. Criteria: ACMG Guidelines, 2015. Collection method: clinical testing. Allele origin: germline.

Women's Health and Genetics/Laboratory Corporation of America, LabCorp
Classification: Likely benign. Last evaluated: 2024-06-04. Review status: criteria provided, single submitter. Criteria: LabCorp Variant Classification Summary - May 2015. Collection method: clinical testing. Allele origin: germline.

Mayo Clinic Laboratories, Mayo Clinic
Classification: Uncertain significance. Last evaluated: 2023-06-13. Review status: criteria provided, single submitter. Criteria: ACMG Guidelines, 2015. Collection method: clinical testing. Allele origin: germline. Observed: 2 variant alleles.
Comment: BS1

Ambry Genetics
Classification: Uncertain significance for Familial thoracic aortic aneurysm and aortic dissection. Last evaluated: 2023-04-18. Review status: criteria provided, single submitter. Criteria: Ambry Variant Classification Scheme 2023. Collection method: clinical testing. Allele origin: germline.
Comment: The p.P995T variant (also known as c.2983C>A), located in coding exon 38 of the COL5A1 gene, results from a C to A substitution at nucleotide position 2983. The proline at codon 995 is replaced by threonine, an amino acid with highly similar properties. This amino acid position is highly conserved in available vertebrate species. In addition, this alteration is predicted to be tolerated by in silico analysis. Since supporting evidence is limited at this time, the clinical significance of this variant remains unclear.